The following is an entry in ClinVar:

NM_004612.4(TGFBR1):c.882A>G (p.Arg294=)

Gene: TGFBR1 (transforming growth factor beta receptor 1; plus strand). Cytogenetic location: 9q22.33.
Variant type: single nucleotide variant.
Coding change: c.882A>G on transcript NM_004612.4 (MANE Select); coding-DNA position 882, A replaced by G.
Protein change: p.Arg294=; no amino-acid change (arginine 294 retained).
Molecular consequence: synonymous variant. On other transcripts: non-coding transcript variant (4), intron variant (2).
Genome position (GRCh38, 1-based): chr9:99,142,612, A>G. VCF-style: chr9-99142612-A-G. GRCh37 (hg19) VCF-style: chr9-101904894-A-G.
Other names: c.651A>G, p.Arg217= (NM_001130916.3, NM_001407435.1); c.894A>G, p.Arg298= (NM_001306210.2); c.687A>G, p.Arg229= (NM_001407418.1, NM_001407419.1, NM_001407420.1 and 1 more transcripts); c.675A>G, p.Arg225= (NM_001407423.1, NM_001407424.1, NM_001407425.1 and 8 more transcripts); c.636A>G, p.Arg212= (NM_001407436.1); c.174A>G, p.Arg58= (NM_001407437.1); c.405A>G, p.Arg135= (NM_001407438.1); c.818-2120A>G (NM_001407416.1); and 1 more.
Identifiers: ClinVar variation 2179923 (VCV002179923.6), dbSNP rs1194380565, ClinGen allele CA466434472.
Genomic context (GRCh38, chr9:99,142,612, plus strand): 5'-TCAGCTCTGGTTGGTGTCAGATTATCATGAGCATGGATCCCTTTTTGATTACTTAAACAG[A>G]TACACAGTTACTGTGGAAGGAATGATAAAACTTGCTCTGTCCACGGCGAGCGGTCTTGCC-3'
Protein context (NP_004603.1, residues 284-304): EHGSLFDYLN[Arg294=]YTVTVEGMIK

ClinVar aggregate classification (germline): Uncertain significance. Review status: criteria provided, multiple submitters, no conflicts (2 of 4 stars). 2 submissions from 2 submitters: Uncertain significance (2). Last evaluated 2023-05-24.

Conditions:
Familial thoracic aortic aneurysm and aortic dissection (TAAD). Also called: Thoracic aortic aneurysms and dissections. Identifiers: Orphanet 91387, MedGen C4707243, MONDO:0019625.

Allele frequency attached by ClinVar (database versions not stated): gnomAD exomes below 0.00001.
gnomAD v4.1: 1 of 1,614,062 alleles (0.000062%); highest among the groups gnomAD compares: South Asian, 0.0011%; no homozygotes.

Submissions (2):

Color Diagnostics, LLC DBA Color Health
Classification: Uncertain significance for Familial thoracic aortic aneurysm and aortic dissection. Last evaluated: 2023-05-24. Review status: criteria provided, single submitter. Criteria: ACMG Guidelines, 2015. Collection method: clinical testing. Allele origin: germline.
Comment: This synonymous variant does not change the amino acid sequence of the TGFBR1 protein. Splice site prediction tools suggest that this variant may impact RNA splicing. To our knowledge, RNA studies have not been reported for this variant. This variant has not been reported in individuals affected with TGFBR1-related disorders in the literature. This variant has not been identified in the general population by the Genome Aggregation Database (gnomAD). The available evidence is insufficient to determine the role of this variant in disease conclusively. Therefore, this variant is classified as a Variant of Uncertain Significance.

Labcorp Genetics (formerly Invitae), Labcorp
Classification: Uncertain significance for Familial thoracic aortic aneurysm and aortic dissection. Last evaluated: 2022-03-20. Review status: criteria provided, single submitter. Criteria: Invitae Variant Classification Sherloc (09022015). Collection method: clinical testing. Allele origin: germline.
Comment: This sequence change affects codon 294 of the TGFBR1 mRNA. It is a 'silent' change, meaning that it does not change the encoded amino acid sequence of the TGFBR1 protein. This variant is present in population databases (no rsID available, gnomAD 0.003%). In summary, the available evidence is currently insufficient to determine the role of this variant in disease. Therefore, it has been classified as a Variant of Uncertain Significance. Algorithms developed to predict the effect of sequence changes on RNA splicing suggest that this variant may disrupt the consensus splice site. This variant has not been reported in the literature in individuals affected with TGFBR1-related conditions.